The following is an entry in ClinVar:

NM_130837.3(OPA1):c.1728G>T (p.Glu576Asp)

Gene: OPA1 (OPA1 mitochondrial dynamin like GTPase; plus strand). Cytogenetic location: 3q29.
Variant type: single nucleotide variant.
Coding change: c.1728G>T on transcript NM_130837.3 (MANE Select); coding-DNA position 1728, G replaced by T.
Protein change: p.Glu576Asp; replaces glutamic acid 576 with aspartic acid.
Molecular consequence: missense variant.
Genome position (GRCh38, 1-based): chr3:193,645,774, G>T. VCF-style: chr3-193645774-G-T. GRCh37 (hg19) VCF-style: chr3-193363563-G-T.
Other names: c.1194G>T, p.Glu398Asp (NM_001354663.2); c.1191G>T, p.Glu397Asp (NM_001354664.2); c.1563G>T, p.Glu521Asp (NM_015560.3); c.1455G>T, p.Glu485Asp (NM_130831.3); c.1509G>T, p.Glu503Asp (NM_130832.3); c.1566G>T, p.Glu522Asp (NM_130833.3); c.1617G>T, p.Glu539Asp (NM_130834.3); c.1620G>T, p.Glu540Asp (NM_130835.3); and 1 more; short protein forms E485D, E539D, E398D, E521D, E522D, E540D, E503D, E397D.
Identifiers: ClinVar variation 3680777 (VCV003680777.3).
Genomic context (GRCh38, chr3:193,645,774, plus strand): 5'-TCATTCTTCCCCAGGGAACAGCTCTGAAAGCATTGAAGCTATAAGAGAATATGAAGAAGA[G>T]TTTTTTCAGAATTCAAAGCTCCTAAAGTAGGTATCTTGTTAAAACATTTAAACATTTTAC-3'
Protein context (NP_570850.2, residues 566-586): SIEAIREYEE[Glu576Asp]FFQNSKLLKT

ClinVar aggregate classification (germline): Uncertain significance. Review status: criteria provided, multiple submitters, no conflicts (2 of 4 stars). 2 submissions from 2 submitters: Uncertain significance (2). Last evaluated 2024-09-09.

Conditions:
Optic atrophy with or without deafness, ophthalmoplegia, myopathy, ataxia, and neuropathy. Also called: OPTIC ATROPHY PLUS SYNDROME. Identifiers: MedGen C3276549, MONDO:0007429, OMIM 125250.
Abortive cerebellar ataxia (BEHRS). Also called: OPTIC ATROPHY, INFANTILE HEREDITARY, WITH NEUROLOGIC ABNORMALITIES; Behr syndrome. Identifiers: Orphanet 1239, MedGen C0221061, MONDO:0008858, OMIM 210000.
Mitochondrial DNA depletion syndrome 14B (cardioencephalomyopathic type). Also called: Mitochondrial DNA depletion syndrome 14 (cardioencephalomyopathic type); Mitochondrial DNA depletion syndrome 14 (encephalocardiomyopathic type). Identifiers: MedGen C6065890, MONDO:0014820, OMIM 616896.
Autosomal dominant optic atrophy classic form (OPA1). Also called: KJER-TYPE OPTIC ATROPHY; OPTIC ATROPHY, JUVENILE; Optic Atrophy Type 1. Identifiers: Orphanet 98673, MedGen C0338508, MONDO:0008134, OMIM 165500.

gnomAD v4.1: 1 of 1,613,394 alleles (0.000062%); no homozygotes.

Submissions (2):

Labcorp Genetics (formerly Invitae), Labcorp
Classification: Uncertain significance. Last evaluated: 2024-09-09. Review status: criteria provided, single submitter. Criteria: Invitae Variant Classification Sherloc (09022015). Collection method: clinical testing. Allele origin: germline.
Comment: This sequence change replaces glutamic acid, which is acidic and polar, with aspartic acid, which is acidic and polar, at codon 521 of the OPA1 protein (p.Glu521Asp). This variant is present in population databases (rs773284755, gnomAD 0.0009%). This variant has not been reported in the literature in individuals affected with OPA1-related conditions. Invitae Evidence Modeling of protein sequence and biophysical properties (such as structural, functional, and spatial information, amino acid conservation, physicochemical variation, residue mobility, and thermodynamic stability) indicates that this missense variant is not expected to disrupt OPA1 protein function with a negative predictive value of 80%. In summary, the available evidence is currently insufficient to determine the role of this variant in disease. Therefore, it has been classified as a Variant of Uncertain Significance.

Department of Pathology and Laboratory Medicine, Sinai Health System
Classification: Uncertain significance for Optic atrophy with or without deafness, ophthalmoplegia, myopathy, ataxia, and neuropathy; Autosomal dominant optic atrophy classic form; Abortive cerebellar ataxia; Mitochondrial DNA depletion syndrome 14B (cardioencephalomyopathic type). Last evaluated: 2021-09-28. Review status: criteria provided, single submitter. Criteria: ACMG Guidelines, 2015. Collection method: research. Allele origin: germline.